The following is an entry in ClinVar:

NM_005883.3(APC2):c.2916_2923del (p.Cys974fs)

Gene: APC2 (APC regulator of Wnt signaling pathway 2; plus strand). Cytogenetic location: 19p13.3.
Variant type: Deletion.
Coding change: c.2916_2923del on transcript NM_005883.3 (MANE Select); coding-DNA positions 2916 to 2923, 8 bases deleted (CGGCTGCC; older notation c.2916_2923delCGGCTGCC).
Protein change: p.Cys974fs; shifts the reading frame from cysteine 974.
Molecular consequence: frameshift variant.
Genome position (GRCh38, 1-based): chr19:1,466,217-1,466,224, CGGCTGCC deleted; deleting any 8 consecutive bases within chr19:1,466,212-1,466,224 gives the same sequence; the c. name uses the placement nearest the transcript's 3' end. VCF-style (leftmost placement, unchanged base first): chr19-1466211-CCTGCCCGG-C. GRCh37 (hg19) VCF-style: chr19-1466210-CCTGCCCGG-C.
Other names: c.2913_2920del, p.Cys973fs (NM_001351273.1); short protein forms C973fs, C974fs.
Identifiers: ClinVar variation 3347780 (VCV003347780.1).
Genomic context (GRCh38, chr19:1,466,211, plus strand): 5'-GGCTTCGCGCCGCGAGGACCCCAGGTGTGGGCAGCCTCGGCCCAGCCGGCTTGACCTTGA[CCTGCCCGG>C]CTGCCAGGCCGAGCCCCCGGCCCGCGAGGCCACCTCCGCCGACGCCCGCGTGCGCACCAT-3'

ClinVar aggregate classification (germline): Likely pathogenic (0 of 4 stars; one submission).

Conditions:
APC2-related disorder. Also called: APC2-Related Disorders; APC2-related condition.

Submission:

PreventionGenetics, part of Exact Sciences
Classification: Likely pathogenic for APC2-related condition. Last evaluated: 2024-04-23. Review status: no assertion criteria provided. Collection method: clinical testing. Allele origin: germline.
Comment: The APC2 c.2916_2923del8 variant is predicted to result in a frameshift and premature protein termination (p.Cys974Argfs*30). This variant is in the last exon of APC and predicted to escape nonsense mediated decay, resulting in a truncated protein that removes 56.4% of the protein. To our knowledge, this variant has not been reported in the literature or in a large population database, indicating this variant is rare. Other homozygous or compound heterozygous truncating variants have been reported up and downstream of this variant in individuals with lissencephaly, global developmental delay, and/or Sotos-Syndrome-like features (Bertoli-Avella et al. 2021. PubMed ID: 33875846; Lee et al. 2019 PubMed ID: 31585108; Almuriekhi et al. 2015. PubMed ID: 25753423). Functional studies of a different downstream frameshift variant, NM_005883:c.5199dupC, p.Lys1734Glnfs*418, showed that the variant resulted in a truncated protein that disrupted APC2 function and localization and was consistent with a loss-of-function mechanism (Almuriekhi et al. 2015. PubMed ID: 25753423). This variant is interpreted as likely pathogenic.